The following is an entry in ClinVar:

NM_024675.4(PALB2):c.3072del (p.Ala1025fs)

Gene: PALB2 (partner and localizer of BRCA2; minus strand). Cytogenetic location: 16p12.2.
Variant type: Deletion.
Coding change: c.3072del on transcript NM_024675.4 (MANE Select); coding-DNA position 3072, one base deleted (A; older notation c.3072delA).
Protein change: p.Ala1025fs; shifts the reading frame from alanine 1025.
Molecular consequence: frameshift variant.
Genome position (GRCh38, 1-based): chr16:23,621,403, T deleted on the plus strand (A on the coding strand, the reverse complement: PALB2 is on the minus strand); the first of 2 consecutive T bases (chr16:23,621,403-23,621,404); deleting either gives the same sequence. VCF-style (leftmost placement, unchanged base first): chr16-23621402-CT-C. GRCh37 (hg19) VCF-style: chr16-23632723-CT-C.
Other names: c.3011delA, p.Ala1005Leufs (NM_001407296.1); c.2999delA, p.Ala1001Leufs (NM_001407297.1); c.2909delA, p.Ala971Leufs (NM_001407298.1, NM_001407302.1); c.3071delA, p.Ala1025Leufs (NM_001407299.1, NM_001407301.1); c.2186delA, p.Ala730Leufs (NM_001407304.1, NM_001407305.1, NM_001407306.1 and 4 more transcripts); c.2024delA, p.Ala676Leufs (NM_001407307.1); c.1283delA, p.Ala429Leufs (NM_001407312.1, NM_001407313.1); c.605delA, p.Ala203Leufs (NM_001407314.1); and 1 more; short protein forms A1025fs.
Identifiers: ClinVar variation 1727274 (VCV001727274.3), dbSNP rs2506318342, ClinGen allele CA2580091274.

ClinVar aggregate classification (germline): Pathogenic. Review status: criteria provided, multiple submitters, no conflicts (2 of 4 stars). 2 submissions from 2 submitters: Pathogenic (2). Last evaluated 2023-09-14.

Conditions:
Hereditary cancer-predisposing syndrome. Also called: Tumor predisposition; Neoplastic Syndromes, Hereditary; Hereditary Cancer Syndrome; Hereditary neoplastic syndrome. Identifiers: Orphanet 140162, MedGen C0027672, MeSH D009386, MONDO:0015356.
Familial cancer of breast. Also called: Hereditary breast cancer; BREAST CANCER, FAMILIAL; hereditary breast carcinoma. Identifiers: Orphanet 227535, MedGen C0346153, MONDO:0016419, OMIM 114480. Disease mechanism: loss of function.

Submissions (2):

Myriad Genetics, Inc.
Classification: Pathogenic for Familial cancer of breast. Last evaluated: 2023-09-14. Review status: criteria provided, single submitter. Criteria: Myriad Autosomal Dominant, Autosomal Recessive and X-Linked Classification Criteria (2023). Collection method: clinical testing. Allele origin: unknown.
Comment: This variant is considered pathogenic. This variant creates a frameshift predicted to result in premature protein truncation.

Ambry Genetics
Classification: Pathogenic for Hereditary cancer-predisposing syndrome. Last evaluated: 2021-01-19. Review status: criteria provided, single submitter. Criteria: Ambry Variant Classification Scheme 2023. Collection method: clinical testing. Allele origin: germline.
Comment: The c.3072delA pathogenic mutation, located in coding exon 10 of the PALB2 gene, results from a deletion of one nucleotide at nucleotide position 3072, causing a translational frameshift with a predicted alternate stop codon (p.A1025Lfs*8). This alteration is expected to result in loss of function by premature protein truncation or nonsense-mediated mRNA decay. As such, this alteration is interpreted as a disease-causing mutation.